The following is an entry in ClinVar:

NM_000548.5(TSC2):c.3317A>C (p.Lys1106Thr)

Gene: TSC2 (TSC complex subunit 2; plus strand). Cytogenetic location: 16p13.3.
Variant type: single nucleotide variant.
Coding change: c.3317A>C on transcript NM_000548.5 (MANE Select); coding-DNA position 3317, A replaced by C.
Protein change: p.Lys1106Thr; replaces lysine 1106 with threonine.
Molecular consequence: missense variant.
Genome position (GRCh38, 1-based): chr16:2,079,589, A>C. VCF-style: chr16-2079589-A-C. GRCh37 (hg19) VCF-style: chr16-2129590-A-C.
Other names: c.3185A>C, p.Lys1062Thr (NM_001077183.3, NM_001370404.1); c.3317A>C, p.Lys1106Thr (NM_001114382.3); c.3077A>C, p.Lys1026Thr (NM_001318827.2); c.3041A>C, p.Lys1014Thr (NM_001318829.2); c.2585A>C, p.Lys862Thr (NM_001318831.2); c.3218A>C, p.Lys1073Thr (NM_001318832.2); c.3188A>C, p.Lys1063Thr (NM_001363528.2, NM_001370405.1, NM_021055.3); c.3317A>C (NM_000548.3); short protein forms K1014T, K1062T, K1063T, K1106T, K1026T, K1073T, K862T.
Identifiers: ClinVar variation 1474481 (VCV001474481.12), dbSNP rs764113584, ClinGen allele CA394286578.
Genomic context (GRCh38, chr16:2,079,589, plus strand): 5'-CACCCTGTGCGTGGGATTCTCTTCTCAGCTCCAGCCCCGGGGTGCATGTGAGACAGACCA[A>C]GGAGGCGCCGGCCAAGCTGGAGTCCCAGGCTGGGCAGCAGGTGTCCCGTGGGGCCCGGGA-3'
Protein context (NP_000539.2, residues 1096-1116): SSPGVHVRQT[Lys1106Thr]EAPAKLESQA

ClinVar aggregate classification (germline): Uncertain significance. Review status: criteria provided, multiple submitters, no conflicts (2 of 4 stars). 4 submissions from 4 submitters: Uncertain significance (4). Last evaluated 2025-07-05.

Conditions:
Tuberous sclerosis syndrome (TSC). Also called: Tuberous Sclerosis Complex; Tuberous sclerosis. Identifiers: Orphanet 805, MedGen C0041341, MONDO:0001734.
Tuberous sclerosis 2 (TSC2). Identifiers: Orphanet 805, MedGen C1860707, MONDO:0013199, OMIM 613254.
Hereditary cancer-predisposing syndrome. Also called: Hereditary neoplastic syndrome; Tumor predisposition; Neoplastic Syndromes, Hereditary; Hereditary Cancer Syndrome. Identifiers: Orphanet 140162, MedGen C0027672, MeSH D009386, MONDO:0015356.

Submissions (4):

Ambry Genetics
Classification: Uncertain significance for Hereditary cancer-predisposing syndrome. Last evaluated: 2025-07-05. Review status: criteria provided, single submitter. Criteria: Ambry Variant Classification Scheme 2023. Collection method: clinical testing. Allele origin: germline.
Comment: The p.K1106T variant (also known as c.3317A>C), located in coding exon 28 of the TSC2 gene, results from an A to C substitution at nucleotide position 3317. The lysine at codon 1106 is replaced by threonine, an amino acid with similar properties. This amino acid position is highly conserved in available vertebrate species. In addition, this alteration is predicted to be deleterious by in silico analysis. Based on the available evidence, the clinical significance of this variant remains unclear.

GeneDx
Classification: Uncertain significance. Last evaluated: 2023-12-20. Review status: criteria provided, single submitter. Criteria: GeneDx Variant Classification Process June 2021. Collection method: clinical testing. Allele origin: germline. Affected: yes.
Comment: Not observed at significant frequency in large population cohorts (gnomAD); In silico analysis supports that this missense variant does not alter protein structure/function; Has not been previously published as pathogenic or benign to our knowledge

Labcorp Genetics (formerly Invitae), Labcorp
Classification: Uncertain significance for Tuberous sclerosis 2. Last evaluated: 2023-09-04. Review status: criteria provided, single submitter. Criteria: Invitae Variant Classification Sherloc (09022015). Collection method: clinical testing. Allele origin: germline.
Comment: In summary, the available evidence is currently insufficient to determine the role of this variant in disease. Therefore, it has been classified as a Variant of Uncertain Significance. Advanced modeling of protein sequence and biophysical properties (such as structural, functional, and spatial information, amino acid conservation, physicochemical variation, residue mobility, and thermodynamic stability) performed at Invitae indicates that this missense variant is not expected to disrupt TSC2 protein function. ClinVar contains an entry for this variant (Variation ID: 1474481). This variant has not been reported in the literature in individuals affected with TSC2-related conditions. This variant is not present in population databases (gnomAD no frequency). This sequence change replaces lysine, which is basic and polar, with threonine, which is neutral and polar, at codon 1106 of the TSC2 protein (p.Lys1106Thr).

All of Us Research Program, National Institutes of Health
Classification: Uncertain significance for Tuberous sclerosis syndrome. Last evaluated: 2023-04-27. Review status: criteria provided, single submitter. Criteria: ACMG Guidelines, 2015. Collection method: clinical testing. Allele origin: germline. Inheritance: Autosomal dominant inheritance. Observed: 1 variant allele, 1 heterozygote.
Comment: This study involves interpretation of variants in research participants for the purpose of population health screening. Participant phenotype was not available at the time of variant classification. Additional details can be found in publication PMID: 35346344, PMCID: PMC8962531